The following is an entry in ClinVar:

ClinVar aggregate classification (germline): Uncertain significance (1 of 4 stars; one submission).

Conditions:
Arrhythmogenic right ventricular dysplasia 10. Also called: Arrhythmogenic Right Ventricular Dysplasia/Cardiomyopathy10; ARRHYTHMOGENIC RIGHT VENTRICULAR DYSPLASIA, FAMILIAL, 10; Arrhythmogenic right ventricular dysplasia/cardiomyopathy, type 10. Identifiers: MedGen C1857777, MONDO:0012434, OMIM 610193.

Submission:

Labcorp Genetics (formerly Invitae), Labcorp
Classification: Uncertain significance for Arrhythmogenic right ventricular dysplasia 10. Last evaluated: 2025-05-13. Review status: criteria provided, single submitter. Criteria: Invitae Variant Classification Sherloc (09022015). Collection method: clinical testing. Allele origin: germline.
Comment: This sequence change replaces leucine, which is neutral and non-polar, with valine, which is neutral and non-polar, at codon 1033 of the DSG2 protein (p.Leu1033Val). This variant is not present in population databases (gnomAD no frequency). This variant has not been reported in the literature in individuals affected with DSG2-related conditions. Invitae Evidence Modeling of protein sequence and biophysical properties (such as structural, functional, and spatial information, amino acid conservation, physicochemical variation, residue mobility, and thermodynamic stability) indicates that this missense variant is not expected to disrupt DSG2 protein function with a negative predictive value of 95%. In summary, the available evidence is currently insufficient to determine the role of this variant in disease. Therefore, it has been classified as a Variant of Uncertain Significance.

NM_001943.5(DSG2):c.3097C>G (p.Leu1033Val)

Genes: DSG2 (desmoglein 2; plus strand), DSG2-AS1 (DSG2 antisense RNA 1; minus strand). Cytogenetic location: 18q12.1.
Variant type: single nucleotide variant.
Coding change: c.3097C>G on transcript NM_001943.5 (MANE Select); coding-DNA position 3097, C replaced by G.
Protein change: p.Leu1033Val; replaces leucine 1033 with valine.
Molecular consequence: missense variant.
Genome position (GRCh38, 1-based): chr18:31,546,483, C>G. VCF-style: chr18-31546483-C-G. GRCh37 (hg19) VCF-style: chr18-29126446-C-G.
Other names: short protein forms L1033V.
Identifiers: ClinVar variation 4808069 (VCV004808069.1).